The following is an entry in ClinVar:

ClinVar aggregate classification (germline): Uncertain significance. Review status: criteria provided, multiple submitters, no conflicts (2 of 4 stars). 2 submissions from 2 submitters: Uncertain significance (2). Last evaluated 2023-12-15.

Conditions:
Inborn genetic diseases. Identifiers: MedGen C0950123, MeSH D030342.
Jeune thoracic dystrophy. Also called: Short-rib thoracic dysplasia; Infantile thoracic dystrophy; Thoracic pelvic phalangeal dystrophy; Jeune's syndrome; Chondroectodermal dysplasia-like syndrome; Jeune syndrome. Identifiers: Orphanet 474, MedGen C0265275, MONDO:0018770.

Allele frequency attached by ClinVar (database versions not stated): gnomAD 0.00003 and 0.00004; TOPMed 0.00005.
gnomAD v4.1: 46 of 1,613,112 alleles (0.0029%); highest among the groups gnomAD compares: Non-Finnish European, 0.0036%; no homozygotes.

Submissions (2):

Ambry Genetics
Classification: Uncertain significance for Inborn genetic diseases. Last evaluated: 2023-12-15. Review status: criteria provided, single submitter. Criteria: Ambry Variant Classification Scheme 2023. Collection method: clinical testing. Allele origin: germline.

Labcorp Genetics (formerly Invitae), Labcorp
Classification: Uncertain significance for Jeune thoracic dystrophy. Last evaluated: 2022-07-18. Review status: criteria provided, single submitter. Criteria: Invitae Variant Classification Sherloc (09022015). Collection method: clinical testing. Allele origin: germline.
Comment: This sequence change replaces isoleucine, which is neutral and non-polar, with methionine, which is neutral and non-polar, at codon 824 of the DYNC2H1 protein (p.Ile824Met). This variant is present in population databases (rs779852550, gnomAD 0.006%). This variant has not been reported in the literature in individuals affected with DYNC2H1-related conditions. ClinVar contains an entry for this variant (Variation ID: 1421642). Advanced modeling of protein sequence and biophysical properties (such as structural, functional, and spatial information, amino acid conservation, physicochemical variation, residue mobility, and thermodynamic stability) performed at Invitae indicates that this missense variant is not expected to disrupt DYNC2H1 protein function. In summary, the available evidence is currently insufficient to determine the role of this variant in disease. Therefore, it has been classified as a Variant of Uncertain Significance.

NM_001377.3(DYNC2H1):c.2472T>G (p.Ile824Met)

Gene: DYNC2H1 (dynein cytoplasmic 2 heavy chain 1; plus strand). Cytogenetic location: 11q22.3.
Variant type: single nucleotide variant.
Coding change: c.2472T>G on transcript NM_001377.3 (MANE Select); coding-DNA position 2472, T replaced by G.
Protein change: p.Ile824Met; replaces isoleucine 824 with methionine.
Molecular consequence: missense variant.
Genome position (GRCh38, 1-based): chr11:103,135,846, T>G. VCF-style: chr11-103135846-T-G. GRCh37 (hg19) VCF-style: chr11-103006575-T-G.
Other names: c.2472T>G, p.Ile824Met (NM_001080463.2); c.2472T>G (NM_001080463.1); short protein forms I824M.
Identifiers: ClinVar variation 1421642 (VCV001421642.4), dbSNP rs779852550, ClinGen allele CA6253046.